The following is an entry in ClinVar:

NM_004656.4(BAP1):c.904C>G (p.Pro302Ala)

Gene: BAP1 (BRCA1 associated deubiquitinase 1; minus strand). Cytogenetic location: 3p21.1.
Variant type: single nucleotide variant.
Coding change: c.904C>G on transcript NM_004656.4 (MANE Select); coding-DNA position 904, C replaced by G.
Protein change: p.Pro302Ala; replaces proline 302 with alanine.
Molecular consequence: missense variant.
Genome position (GRCh38, 1-based): chr3:52,405,792, G>C on the plus strand (C>G on the coding strand, the complement: BAP1 is on the minus strand). VCF-style: chr3-52405792-G-C. GRCh37 (hg19) VCF-style: chr3-52439808-G-C.
Other names: short protein forms P302A.
Identifiers: ClinVar variation 962632 (VCV000962632.11), dbSNP rs1172088152, ClinGen allele CA353106584.

ClinVar aggregate classification (germline): Conflicting classifications of pathogenicity. Review status: criteria provided, conflicting classifications (1 of 4 stars). 3 submissions from 3 submitters: Uncertain significance (2); Likely benign (1). Last evaluated 2024-03-20.

Conditions:
Hereditary cancer-predisposing syndrome. Also called: Tumor predisposition; Hereditary neoplastic syndrome; Hereditary Cancer Syndrome; Neoplastic Syndromes, Hereditary. Identifiers: Orphanet 140162, MedGen C0027672, MeSH D009386, MONDO:0015356.
BAP1-related tumor predisposition syndrome (TPDS1). Also called: Tumor susceptibility linked to germline BAP1 mutations; COMMON Syndrome; TUMOR PREDISPOSITION SYNDROME 1; BAP1 tumor predisposition syndrome. Identifiers: Orphanet 289539, MedGen C3280492, MONDO:0013692, OMIM 614327.

Allele frequency attached by ClinVar (database versions not stated): gnomAD exomes below 0.00001 and 0.00001; TOPMed below 0.00001.

Submissions (3):

Ambry Genetics
Classification: Likely benign for Hereditary cancer-predisposing syndrome. Last evaluated: 2024-03-20. Review status: criteria provided, single submitter. Criteria: Ambry Variant Classification Scheme 2023. Collection method: clinical testing. Allele origin: germline.

Labcorp Genetics (formerly Invitae), Labcorp
Classification: Uncertain significance for BAP1-related tumor predisposition syndrome. Last evaluated: 2024-02-13. Review status: criteria provided, single submitter. Criteria: Invitae Variant Classification Sherloc (09022015). Collection method: clinical testing. Allele origin: germline.
Comment: This sequence change replaces proline, which is neutral and non-polar, with alanine, which is neutral and non-polar, at codon 302 of the BAP1 protein (p.Pro302Ala). This variant is present in population databases (no rsID available, gnomAD 0.007%). This variant has not been reported in the literature in individuals affected with BAP1-related conditions. ClinVar contains an entry for this variant (Variation ID: 962632). Algorithms developed to predict the effect of missense changes on protein structure and function output the following: SIFT: "Not Available"; PolyPhen-2: "Benign"; Align-GVGD: "Not Available". The alanine amino acid residue is found in multiple mammalian species, which suggests that this missense change does not adversely affect protein function. In summary, the available evidence is currently insufficient to determine the role of this variant in disease. Therefore, it has been classified as a Variant of Uncertain Significance.

Baylor Genetics
Classification: Uncertain significance for BAP1-related tumor predisposition syndrome. Last evaluated: 2023-10-10. Review status: criteria provided, single submitter. Criteria: ACMG Guidelines, 2015. Collection method: clinical testing. Allele origin: unknown.